The following is an entry in ClinVar:

ClinVar aggregate classification (germline): Uncertain significance (1 of 4 stars; one submission).

gnomAD v4.1: 1 of 1,614,188 alleles (0.000062%); highest among the groups gnomAD compares: Non-Finnish European, 0.000085%; no homozygotes.

Submission:

Labcorp Genetics (formerly Invitae), Labcorp
Classification: Uncertain significance. Last evaluated: 2022-04-29. Review status: criteria provided, single submitter. Criteria: Invitae Variant Classification Sherloc (09022015). Collection method: clinical testing. Allele origin: germline.
Comment: Algorithms developed to predict the effect of missense changes on protein structure and function output the following: SIFT: "Tolerated"; PolyPhen-2: "Benign"; Align-GVGD: "Class C0". The aspartic acid amino acid residue is found in multiple mammalian species, which suggests that this missense change does not adversely affect protein function. In summary, the available evidence is currently insufficient to determine the role of this variant in disease. Therefore, it has been classified as a Variant of Uncertain Significance. This variant has not been reported in the literature in individuals affected with USH2A-related conditions. This variant is not present in population databases (gnomAD no frequency). This sequence change replaces glutamic acid, which is acidic and polar, with aspartic acid, which is acidic and polar, at codon 3952 of the USH2A protein (p.Glu3952Asp).

NM_206933.4(USH2A):c.11856G>T (p.Glu3952Asp)

Gene: USH2A (usherin; minus strand). Cytogenetic location: 1q41.
Variant type: single nucleotide variant.
Coding change: c.11856G>T on transcript NM_206933.4 (MANE Select); coding-DNA position 11856, G replaced by T.
Protein change: p.Glu3952Asp; replaces glutamic acid 3952 with aspartic acid.
Molecular consequence: missense variant.
Genome position (GRCh38, 1-based): chr1:215,728,240, C>A on the plus strand (G>T on the coding strand, the complement: USH2A is on the minus strand). VCF-style: chr1-215728240-C-A. GRCh37 (hg19) VCF-style: chr1-215901582-C-A.
Other names: short protein forms E3952D.
Identifiers: ClinVar variation 1977429 (VCV001977429.5), dbSNP rs762702250, ClinGen allele CA344828923.